The following is an entry in ClinVar:

NM_020975.6(RET):c.1078C>A (p.Arg360=)

Gene: RET (ret proto-oncogene; plus strand). Cytogenetic location: 10q11.21.
Variant type: single nucleotide variant.
Coding change: c.1078C>A on transcript NM_020975.6 (MANE Select); coding-DNA position 1078, C replaced by A.
Protein change: p.Arg360=; no amino-acid change (arginine 360 retained).
Molecular consequence: synonymous variant. On other transcripts: intron variant (18).
Genome position (GRCh38, 1-based): chr10:43,109,045, C>A. VCF-style: chr10-43109045-C-A. GRCh37 (hg19) VCF-style: chr10-43604493-C-A.
Other names: c.1078C>A, p.Arg360= (NM_000323.2, NM_001406743.1, NM_001406744.1 and 6 more transcripts); c.316C>A, p.Arg106= (NM_001355216.2); c.949C>A, p.Arg317= (NM_001406761.1, NM_001406762.1, NM_001406764.1 and 1 more transcripts); c.790C>A, p.Arg264= (NM_001406766.1, NM_001406767.1, NM_001406770.1); c.640C>A, p.Arg214= (NM_001406771.1, NM_001406773.1); c.352C>A, p.Arg118= (NM_001406775.1, NM_001406776.1, NM_001406777.1 and 1 more transcripts); c.88C>A, p.Arg30= (NM_001406784.1); c.868-2162C>A (NM_001406772.1, NM_001406769.1); and 5 more.
Identifiers: ClinVar variation 560860 (VCV000560860.7), dbSNP rs1424549058, ClinGen allele CA469025311.

ClinVar aggregate classification (germline): Uncertain significance. Review status: criteria provided, multiple submitters, no conflicts (2 of 4 stars). 2 submissions from 2 submitters: Uncertain significance (2). Last evaluated 2023-09-27.

Conditions:
Multiple endocrine neoplasia, type 2 (MEN2). Identifiers: Orphanet 653, MedGen C4048306, MONDO:0019003. Disease mechanism: gain of function.

Allele frequency attached by ClinVar (database versions not stated): gnomAD exomes below 0.00001 and 0.00001.
gnomAD v4.1: 4 of 1,613,130 alleles (0.00025%); highest among the groups gnomAD compares: Admixed American, 0.0017%; no homozygotes.

Submissions (2):

Labcorp Genetics (formerly Invitae), Labcorp
Classification: Uncertain significance for Multiple endocrine neoplasia, type 2. Last evaluated: 2023-09-27. Review status: criteria provided, single submitter. Criteria: Invitae Variant Classification Sherloc (09022015). Collection method: clinical testing. Allele origin: germline.
Comment: This variant is present in population databases (no rsID available, gnomAD 0.003%). This sequence change affects codon 360 of the RET mRNA. It is a 'silent' change, meaning that it does not change the encoded amino acid sequence of the RET protein. This variant has not been reported in the literature in individuals affected with RET-related conditions. Algorithms developed to predict the effect of sequence changes on RNA splicing suggest that this variant may create or strengthen a splice site. ClinVar contains an entry for this variant (Variation ID: 560860). In summary, the available evidence is currently insufficient to determine the role of this variant in disease. Therefore, it has been classified as a Variant of Uncertain Significance.

PreventionGenetics, part of Exact Sciences
Classification: Uncertain significance. Last evaluated: 2017-03-21. Review status: criteria provided, single submitter. Criteria: ACMG Guidelines, 2015. Collection method: clinical testing. Allele origin: germline.